The following is an entry in ClinVar:

ClinVar aggregate classification (germline): Uncertain significance. Review status: criteria provided, multiple submitters, no conflicts (2 of 4 stars). 2 submissions from 2 submitters: Uncertain significance (2). Last evaluated 2023-10-25.

Conditions:
Hereditary nonpolyposis colorectal neoplasms. Identifiers: MedGen C0009405, MeSH D003123.
Hereditary cancer-predisposing syndrome. Also called: Neoplastic Syndromes, Hereditary; Hereditary Cancer Syndrome; Tumor predisposition; Hereditary neoplastic syndrome. Identifiers: Orphanet 140162, MedGen C0027672, MeSH D009386, MONDO:0015356.

Submissions (2):

Ambry Genetics
Classification: Uncertain significance for Hereditary cancer-predisposing syndrome. Last evaluated: 2023-10-25. Review status: criteria provided, single submitter. Criteria: Ambry Variant Classification Scheme 2023. Collection method: clinical testing. Allele origin: germline.
Comment: The p.V332D variant (also known as c.995T>A), located in coding exon 10 of the PMS2 gene, results from a T to A substitution at nucleotide position 995. The valine at codon 332 is replaced by aspartic acid, an amino acid with highly dissimilar properties. This amino acid position is conserved. In addition, this alteration is predicted to be deleterious by in silico analysis. Since supporting evidence is limited at this time, the clinical significance of this alteration remains unclear.

Labcorp Genetics (formerly Invitae), Labcorp
Classification: Uncertain significance for Hereditary nonpolyposis colorectal neoplasms. Last evaluated: 2020-11-07. Review status: criteria provided, single submitter. Criteria: Invitae Variant Classification Sherloc (09022015). Collection method: clinical testing. Allele origin: germline.
Comment: This sequence change replaces valine with aspartic acid at codon 332 of the PMS2 protein (p.Val332Asp). The valine residue is highly conserved and there is a large physicochemical difference between valine and aspartic acid. This variant is not present in population databases (ExAC no frequency). In summary, the available evidence is currently insufficient to determine the role of this variant in disease. Therefore, it has been classified as a Variant of Uncertain Significance. This variant has not been reported in the literature in individuals with PMS2-related conditions. Algorithms developed to predict the effect of missense changes on protein structure and function (SIFT, PolyPhen-2, Align-GVGD) all suggest that this variant is likely to be disruptive, but these predictions have not been confirmed by published functional studies and their clinical significance is uncertain.

NM_000535.7(PMS2):c.995T>A (p.Val332Asp)

Gene: PMS2 (PMS1 homolog 2, mismatch repair system component; minus strand). Cytogenetic location: 7p22.1.
Variant type: single nucleotide variant.
Coding change: c.995T>A on transcript NM_000535.7 (MANE Select); coding-DNA position 995, T replaced by A.
Protein change: p.Val332Asp; replaces valine 332 with aspartic acid.
Molecular consequence: missense variant. On other transcripts: non-coding transcript variant (1), intron variant (2).
Genome position (GRCh38, 1-based): chr7:5,989,949, A>T on the plus strand (T>A on the coding strand, the complement: PMS2 is on the minus strand). VCF-style: chr7-5989949-A-T. GRCh37 (hg19) VCF-style: chr7-6029580-A-T.
Other names: c.995T>A (NM_000535.5); c.590T>A, p.Val197Asp (NM_001322003.2, NM_001322004.2, NM_001322005.2 and 1 more transcripts); c.677T>A, p.Val226Asp (NM_001322007.2, NM_001322008.2); c.62T>A, p.Val21Asp (NM_001322011.2, NM_001322012.2); c.422T>A, p.Val141Asp (NM_001322013.2); c.995T>A, p.Val332Asp (NM_001322014.2); c.686T>A, p.Val229Asp (NM_001322015.2); c.583+2024T>A (NM_001322010.2); and 1 more; short protein forms V141D, V197D, V21D, V226D, V229D, V332D.
Identifiers: ClinVar variation 1472184 (VCV001472184.9), dbSNP rs2128748950, ClinGen allele CA366743029.